The following is an entry in ClinVar:

NM_000492.4(CFTR):c.4305C>G (p.Ser1435Arg)

Genes: CFTR (CF transmembrane conductance regulator; plus strand), LOC111674477 (CFTR intron 23 enhancer; plus strand). Cytogenetic location: 7q31.2.
Variant type: single nucleotide variant.
Coding change: c.4305C>G on transcript NM_000492.4 (MANE Select); coding-DNA position 4305, C replaced by G.
Protein change: p.Ser1435Arg; replaces serine 1435 with arginine.
Molecular consequence: missense variant.
Genome position (GRCh38, 1-based): chr7:117,666,970, C>G. VCF-style: chr7-117666970-C-G. GRCh37 (hg19) VCF-style: chr7-117307024-C-G.
Other names: short protein forms S1435R.
Identifiers: ClinVar variation 2169003 (VCV002169003.2), dbSNP rs2485185614, ClinGen allele CA368984702.

ClinVar aggregate classification (germline): Uncertain significance. Review status: criteria provided, multiple submitters, no conflicts (2 of 4 stars). 2 submissions from 2 submitters: Uncertain significance (2). Last evaluated 2024-07-18.

Conditions:
Cystic fibrosis (CF). Also called: MUCOVISCIDOSIS. Identifiers: Orphanet 586, MedGen C0010674, MONDO:0009061, OMIM 219700. Disease mechanism: loss of function.

Submissions (2):

Ambry Genetics
Classification: Uncertain significance for Cystic fibrosis. Last evaluated: 2024-07-18. Review status: criteria provided, single submitter. Criteria: Ambry Variant Classification Scheme 2023. Collection method: clinical testing. Allele origin: germline.
Comment: The p.S1435R variant (also known as c.4305C>G), located in coding exon 27 of the CFTR gene, results from a C to G substitution at nucleotide position 4305. The serine at codon 1435 is replaced by arginine, an amino acid with dissimilar properties. This amino acid position is conserved. In addition, the in silico prediction for this alteration is inconclusive. Based on the available evidence, the clinical significance of this variant remains unclear.

Labcorp Genetics (formerly Invitae), Labcorp
Classification: Uncertain significance for Cystic fibrosis. Last evaluated: 2022-06-15. Review status: criteria provided, single submitter. Criteria: Invitae Variant Classification Sherloc (09022015). Collection method: clinical testing. Allele origin: germline.
Comment: This sequence change replaces serine, which is neutral and polar, with arginine, which is basic and polar, at codon 1435 of the CFTR protein (p.Ser1435Arg). This variant is not present in population databases (gnomAD no frequency). This variant has not been reported in the literature in individuals affected with CFTR-related conditions. Algorithms developed to predict the effect of missense changes on protein structure and function (SIFT, PolyPhen-2, Align-GVGD) all suggest that this variant is likely to be tolerated. In summary, the available evidence is currently insufficient to determine the role of this variant in disease. Therefore, it has been classified as a Variant of Uncertain Significance.